The following is an entry in ClinVar:

NM_003128.3(SPTBN1):c.2914C>T (p.Arg972Trp)

Gene: SPTBN1 (spectrin beta, non-erythrocytic 1; plus strand). Cytogenetic location: 2p16.2.
Variant type: single nucleotide variant.
Coding change: c.2914C>T on transcript NM_003128.3 (MANE Select); coding-DNA position 2914, C replaced by T.
Protein change: p.Arg972Trp; replaces arginine 972 with tryptophan.
Molecular consequence: missense variant.
Genome position (GRCh38, 1-based): chr2:54,630,961, C>T. VCF-style: chr2-54630961-C-T. GRCh37 (hg19) VCF-style: chr2-54858098-C-T.
Other names: c.2875C>T, p.Arg959Trp (NM_178313.3); short protein forms R959W, R972W.
Identifiers: ClinVar variation 1801944 (VCV001801944.2), dbSNP rs1678691123, ClinGen allele CA346887986.

ClinVar aggregate classification (germline): Uncertain significance. Review status: criteria provided, multiple submitters, no conflicts (2 of 4 stars). 2 submissions from 2 submitters: Uncertain significance (2). Last evaluated 2023-09-07.

Conditions:
Developmental delay, impaired speech, and behavioral abnormalities. Identifiers: MedGen C5561957, MONDO:0859178, OMIM 619475.
Developmental delay, impaired speech, and behavioral abnormalities, with or without seizures (DEDISB). Identifiers: MedGen C5575272, MONDO:0859263, OMIM 619964.

Allele frequency attached by ClinVar (database versions not stated): gnomAD exomes below 0.00001; gnomAD 0.00001.
gnomAD v4.1: 3 of 1,614,034 alleles (0.00019%); highest among the groups gnomAD compares: Admixed American, 0.0033%; no homozygotes.

Submissions (2):

Clinical Genomics Laboratory, Washington University in St. Louis
Classification: Uncertain significance for Developmental delay, impaired speech, and behavioral abnormalities; Developmental delay, impaired speech, and behavioral abnormalities, with or without seizures. Last evaluated: 2023-09-07. Review status: criteria provided, single submitter. Criteria: ACMG Guidelines, 2015. Collection method: clinical testing. Allele origin: germline.
Comment: The SPTBN1 c.2914C>T (p.Arg972Trp) variant, to our knowledge, has not been reported in the medical literature and is absent from the general population (gnomAD v.2.1.1), indicating it is not a common variant. Computational predictors are conflicting as to the impact of this variant on SPTBN1 function. This variant has been reported in the ClinVar database as a variant of uncertain significance by one submitter. Due to limited information, and based on ACMG/AMP guidelines for variant interpretation (Richards S et al., PMID: 25741868), the clinical significance of this variant is uncertain at this time.

GeneDx
Classification: Uncertain significance. Last evaluated: 2022-06-03. Review status: criteria provided, single submitter. Criteria: GeneDx Variant Classification Process June 2021. Collection method: clinical testing. Allele origin: germline. Affected: yes.
Comment: Not observed at significant frequency in large population cohorts (gnomAD); In silico analysis supports that this missense variant has a deleterious effect on protein structure/function; Has not been previously published as pathogenic or benign to our knowledge